The following is an entry in ClinVar:

NM_002519.3(NPAT):c.2405C>G (p.Ala802Gly)

Gene: NPAT (nuclear protein, coactivator of histone transcription; minus strand). Cytogenetic location: 11q22.3.
Variant type: single nucleotide variant.
Coding change: c.2405C>G on transcript NM_002519.3 (MANE Select); coding-DNA position 2405, C replaced by G.
Protein change: p.Ala802Gly; replaces alanine 802 with glycine.
Molecular consequence: missense variant.
Genome position (GRCh38, 1-based): chr11:108,172,579, G>C on the plus strand (C>G on the coding strand, the complement: NPAT is on the minus strand). VCF-style: chr11-108172579-G-C. GRCh37 (hg19) VCF-style: chr11-108043306-G-C.
Other names: c.2405C>G, p.Ala802Gly (NM_001321307.1); short protein forms A802G.
Identifiers: ClinVar variation 1790784 (VCV001790784.2), dbSNP rs2496717368, ClinGen allele CA382513051.

ClinVar aggregate classification (germline): Uncertain significance (1 of 4 stars; one submission).

Allele frequency attached by ClinVar (database versions not stated): gnomAD exomes below 0.00001.
gnomAD v4.1: 1 of 1,614,122 alleles (0.000062%); highest among the groups gnomAD compares: Non-Finnish European, 0.000085%; no homozygotes.

Submission:

Ambry Genetics
Classification: Uncertain significance. Last evaluated: 2022-01-26. Review status: criteria provided, single submitter. Criteria: Ambry Variant Classification Scheme 2023. Collection method: clinical testing. Allele origin: germline.
Comment: The p.A802G variant (also known as c.2405C>G), located in coding exon 13 of the NPAT gene, results from a C to G substitution at nucleotide position 2405. The alanine at codon 802 is replaced by glycine, an amino acid with similar properties. This amino acid position is conserved. In addition, this alteration is predicted to be tolerated by in silico analysis. Since supporting evidence is limited at this time, the clinical significance of this alteration remains unclear.